The following is an entry in ClinVar:

ClinVar aggregate classification (germline): Likely benign (1 of 4 stars; one submission).

Allele frequency attached by ClinVar (database versions not stated): 1000 Genomes Project 30x 0.00016; 1000 Genomes Project 0.00020; gnomAD exomes 0.00026; gnomAD 0.00029; TOPMed 0.00029; ExAC 0.00032; ESP Exome Variant Server 0.00039.

Submission:

CeGaT Center for Human Genetics Tuebingen
Classification: Likely benign. Last evaluated: 2023-04-01. Review status: criteria provided, single submitter. Criteria: CeGaT Center For Human Genetics Tuebingen Variant Classification Criteria Version 2. Collection method: clinical testing. Allele origin: germline. Affected: yes. Observed: 1 variant allele.
Comment: CAND2: BP4, BP7

NM_001162499.2(CAND2):c.2112C>T (p.Asn704=)

Gene: CAND2 (cullin associated and neddylation dissociated 2 (putative); plus strand). Cytogenetic location: 3p25.2.
Variant type: single nucleotide variant.
Coding change: c.2112C>T on transcript NM_001162499.2 (MANE Select); coding-DNA position 2112, C replaced by T.
Protein change: p.Asn704=; no amino-acid change (asparagine 704 retained).
Molecular consequence: synonymous variant.
Genome position (GRCh38, 1-based): chr3:12,817,044, C>T. VCF-style: chr3-12817044-C-T. GRCh37 (hg19) VCF-style: chr3-12858543-C-T.
Other names: c.1833C>T, p.Asn611= (NM_012298.3).
Identifiers: ClinVar variation 2653548 (VCV002653548.24), dbSNP rs201904182, ClinGen allele CA2260855.
Genomic context (GRCh38, chr3:12,817,044, plus strand): 5'-CCTCAGCCTCCCACCGTCTGCCGTGCAGGCCGTGCTGGCTGAGCTGCCTGCCCTGGTCAA[C>T]GAGAGCGACATGCATGTGGCCCAGCTGGCTGTGGACTTCCTTGCCACAGTGACCCAGGCC-3'
Protein context (NP_001155971.1, residues 694-714): AVLAELPALV[Asn704=]ESDMHVAQLA